The following is an entry in ClinVar:

NM_152743.4(BRAT1):c.522G>C (p.Leu174Phe)

Gene: BRAT1 (BRCA1 associated ATM activator 1; minus strand). Cytogenetic location: 7p22.3.
Variant type: single nucleotide variant.
Coding change: c.522G>C on transcript NM_152743.4 (MANE Select); coding-DNA position 522, G replaced by C.
Protein change: p.Leu174Phe; replaces leucine 174 with phenylalanine.
Molecular consequence: missense variant. On other transcripts: 5 prime UTR variant (1), non-coding transcript variant (1).
Genome position (GRCh38, 1-based): chr7:2,543,871, C>G on the plus strand (G>C on the coding strand, the complement: BRAT1 is on the minus strand). VCF-style: chr7-2543871-C-G. GRCh37 (hg19) VCF-style: chr7-2583505-C-G.
Other names: c.522G>C, p.Leu174Phe (NM_001350626.2); c.-4G>C (NM_001350627.2); short protein forms L174F.
Identifiers: ClinVar variation 1312302 (VCV001312302.2), dbSNP rs2128397295, ClinGen allele CA366632318.
Genomic context (GRCh38, chr7:2,543,871, plus strand): 5'-ACACGCGGGCCAGTCACCCCCCGGCAGGCAGGGCTGCCCCTCGGCTCCACCTCGCATGGA[C>G]AAAGCCAGGACGTGCACCAGGAGCTGACTGGCCGCCGAGGCCACAAACAGGCTGGAGTCT-3'
Protein context (NP_689956.2, residues 164-184): ASQLLVHVLA[Leu174Phe]SMRGGAEGQP

ClinVar aggregate classification (germline): Uncertain significance (1 of 4 stars; one submission).

Submission:

GeneDx
Classification: Uncertain significance. Last evaluated: 2019-09-23. Review status: criteria provided, single submitter. Criteria: GeneDx Variant Classification Process June 2021. Collection method: clinical testing. Allele origin: germline. Affected: yes.
Comment: Not observed in large population cohorts (Lek et al., 2016); In silico analysis, which includes protein predictors and evolutionary conservation, supports that this variant does not alter protein structure/function; Has not been previously published as pathogenic or benign to our knowledge